The following is an entry in ClinVar:

NM_002495.4(NDUFS4):c.355G>A (p.Asp119Asn)

Gene: NDUFS4 (NADH:ubiquinone oxidoreductase subunit S4; plus strand). Cytogenetic location: 5q11.2.
Variant type: single nucleotide variant.
Coding change: c.355G>A on transcript NM_002495.4 (MANE Select); coding-DNA position 355, G replaced by A.
Protein change: p.Asp119Asn; replaces aspartic acid 119 with asparagine.
Molecular consequence: missense variant. On other transcripts: non-coding transcript variant (3), intron variant (1).
Genome position (GRCh38, 1-based): chr5:53,658,555, G>A. VCF-style: chr5-53658555-G-A. GRCh37 (hg19) VCF-style: chr5-52954385-G-A.
Other names: c.350+12150G>A (NM_001318051.2); short protein forms D119N.
Identifiers: ClinVar variation 4293596 (VCV004293596.1).
Genomic context (GRCh38, chr5:53,658,555, plus strand): 5'-TTGTTTCTCAGCTAAAGCTTAATGTTAAATCTTGGAAAAAAATTTGTTTCTTACAGGGCT[G>A]ATCCCTTATCCAACATGGTTCTAACCTTCAGTACTAAAGAAGATGCAGTTTCCTTTGCAG-3'
Protein context (NP_002486.1, residues 109-129): NPLMGWASTA[Asp119Asn]PLSNMVLTFS

ClinVar aggregate classification (germline): Uncertain significance (1 of 4 stars; one submission).

Conditions:
Mitochondrial complex I deficiency, nuclear type 1. Also called: NADH-COENZYME Q REDUCTASE DEFICIENCY; MITOCHONDRIAL NADH DEHYDROGENASE COMPONENT OF COMPLEX I, DEFICIENCY OF. Identifiers: MedGen C6022305, MONDO:0100224, OMIM 252010.

Submission:

3billion
Classification: Uncertain significance for Mitochondrial complex I deficiency, nuclear type 1. Last evaluated: 2024-11-11. Review status: criteria provided, single submitter. Criteria: ACMG Guidelines, 2015. Collection method: clinical testing. Allele origin: germline. Affected: yes.
Comment: The variant is observed at an extremely low frequency in the gnomAD v4.1.0 dataset (total allele frequency: <0.001%). Predicted Consequence/Location: Missense variant. The majority of the known disease-causing variants of this gene are variants expected to result in premature termination of the protein. In silico tool predictions suggest damaging effect of the variant on gene or gene product [REVEL: 0.76 (>=0.6, sensitivity 0.68 and specificity 0.92); 3Cnet: 0.88 (>=0.6, sensitivity 0.72 and precision 0.9)]. A different missense change at the same codon (p.Asp119His) has been reported as pathogenic/likely pathogenic with strong evidence (ClinVar ID: VCV000587577 /PMID: 19364667). Therefore, this variant is classified as VUS according to the recommendation of ACMG/AMP guideline.

Literature cited by the submitters: PubMed 19364667.